The following is an entry in ClinVar:

NM_001282225.2(ADA2):c.1146C>G (p.Ile382Met)

Gene: ADA2 (adenosine deaminase 2; minus strand). Cytogenetic location: 22q11.1.
Variant type: single nucleotide variant.
Coding change: c.1146C>G on transcript NM_001282225.2 (MANE Select); coding-DNA position 1146, C replaced by G.
Protein change: p.Ile382Met; replaces isoleucine 382 with methionine.
Molecular consequence: missense variant.
Genome position (GRCh38, 1-based): chr22:17,182,697, G>C on the plus strand (C>G on the coding strand, the complement: ADA2 is on the minus strand). VCF-style: chr22-17182697-G-C. GRCh37 (hg19) VCF-style: chr22-17663587-G-C.
Other names: c.1146C>G, p.Ile382Met (NM_001282226.2); c.1020C>G, p.Ile340Met (NM_001282227.2, NM_001282228.2); c.786C>G, p.Ile262Met (NM_001282229.2); c.423C>G, p.Ile141Met (NM_177405.3); short protein forms I382M, I141M, I262M, I340M.
Identifiers: ClinVar variation 864055 (VCV000864055.9), dbSNP rs776302859, ClinGen allele CA410232339.

ClinVar aggregate classification (germline): Uncertain significance (1 of 4 stars; one submission).

Conditions:
Deficiency of adenosine deaminase 2. Also called: Adenosine Deaminase 2 Deficiency; VASCULITIS, AUTOINFLAMMATION, IMMUNODEFICIENCY, AND HEMATOLOGIC DEFECTS SYNDROME; Polyarteritis nodosa, childhoood-onset. Identifiers: Orphanet 404553, MedGen C3887654, MONDO:0014306, OMIM 615688, MONDO:0100317.

Submission:

Labcorp Genetics (formerly Invitae), Labcorp
Classification: Uncertain significance for Deficiency of adenosine deaminase 2. Last evaluated: 2025-11-27. Review status: criteria provided, single submitter. Criteria: Invitae Variant Classification Sherloc (09022015). Collection method: clinical testing. Allele origin: germline.
Comment: This sequence change replaces isoleucine, which is neutral and non-polar, with methionine, which is neutral and non-polar, at codon 382 of the ADA2 protein (p.Ile382Met). This variant is not present in population databases (gnomAD no frequency). This variant has not been reported in the literature in individuals affected with ADA2-related conditions. ClinVar contains an entry for this variant (Variation ID: 864055). Invitae Evidence Modeling of protein sequence and biophysical properties (such as structural, functional, and spatial information, amino acid conservation, physicochemical variation, residue mobility, and thermodynamic stability) indicates that this missense variant is expected to disrupt ADA2 protein function with a positive predictive value of 95%. In summary, the available evidence is currently insufficient to determine the role of this variant in disease. Therefore, it has been classified as a Variant of Uncertain Significance.